The following is an entry in ClinVar:

NM_004329.3(BMPR1A):c.971C>A (p.Ala324Asp)

Gene: BMPR1A (bone morphogenetic protein receptor type 1A; plus strand). Cytogenetic location: 10q23.2.
Variant type: single nucleotide variant.
Coding change: c.971C>A on transcript NM_004329.3 (MANE Select); coding-DNA position 971, C replaced by A.
Protein change: p.Ala324Asp; replaces alanine 324 with aspartic acid.
Molecular consequence: missense variant. On other transcripts: non-coding transcript variant (3).
Genome position (GRCh38, 1-based): chr10:86,919,274, C>A. VCF-style: chr10-86919274-C-A. GRCh37 (hg19) VCF-style: chr10-88679031-C-A.
Other names: c.965C>A, p.Ala322Asp (NM_001406583.1); c.887C>A, p.Ala296Asp (NM_001406584.1, NM_001406585.1, NM_001406586.1 and 2 more transcripts); c.629C>A, p.Ala210Asp (NM_001406589.1); c.971C>A, p.Ala324Asp (NM_001406581.1, NM_001406582.1, NM_001406561.1 and 19 more transcripts); c.1046C>A, p.Ala349Asp (NM_001406559.1); c.1019C>A, p.Ala340Asp (NM_001406560.1); short protein forms A322D, A324D, A340D, A349D, A210D, A296D.
Identifiers: ClinVar variation 5032962 (VCV005032962.1).

ClinVar aggregate classification (germline): Uncertain significance (1 of 4 stars; one submission).

Conditions:
Hereditary cancer-predisposing syndrome. Also called: Neoplastic Syndromes, Hereditary; Tumor predisposition; Hereditary neoplastic syndrome; Hereditary Cancer Syndrome. Identifiers: Orphanet 140162, MedGen C0027672, MeSH D009386, MONDO:0015356.

Submission:

Ambry Genetics
Classification: Uncertain significance for Hereditary cancer-predisposing syndrome. Last evaluated: 2026-07-06. Review status: criteria provided, single submitter. Criteria: Ambry Variant Classification Scheme 2023. Collection method: clinical testing. Allele origin: germline.
Comment: The p.A324D variant (also known as c.971C>A), located in coding exon 8 of the BMPR1A gene, results from a C to A substitution at nucleotide position 971. The alanine at codon 324 is replaced by aspartic acid, an amino acid with dissimilar properties. This amino acid position is conserved. In addition, the in silico prediction for this alteration is inconclusive. Based on the available evidence, the clinical significance of this variant remains unclear.